The following is an entry in ClinVar:

NM_000081.4(LYST):c.3713G>A (p.Gly1238Glu)

Gene: LYST (lysosomal trafficking regulator; minus strand). Cytogenetic location: 1q42.3.
Variant type: single nucleotide variant.
Coding change: c.3713G>A on transcript NM_000081.4 (MANE Select); coding-DNA position 3713, G replaced by A.
Protein change: p.Gly1238Glu; replaces glycine 1238 with glutamic acid.
Molecular consequence: missense variant.
Genome position (GRCh38, 1-based): chr1:235,801,097, C>T on the plus strand (G>A on the coding strand, the complement: LYST is on the minus strand). VCF-style: chr1-235801097-C-T. GRCh37 (hg19) VCF-style: chr1-235964397-C-T.
Other names: c.3713G>A, p.Gly1238Glu (NM_001301365.1); short protein forms G1238E.
Identifiers: ClinVar variation 860920 (VCV000860920.7), dbSNP rs767077644, ClinGen allele CA1466998.

ClinVar aggregate classification (germline): Uncertain significance (1 of 4 stars; one submission).

Conditions:
Chédiak-Higashi syndrome (CHS). Also called: Chediak-Higashi Syndrome. Identifiers: Orphanet 167, MedGen C0007965, MONDO:0008963, OMIM 214500.

Allele frequency attached by ClinVar (database versions not stated): ExAC 0.00001; gnomAD exomes 0.00001; gnomAD 0.00002; TOPMed 0.00002.
gnomAD v4.1: 15 of 1,578,630 alleles (0.00095%); highest among the groups gnomAD compares: Non-Finnish European, 0.0013%; no homozygotes.

Submission:

Labcorp Genetics (formerly Invitae), Labcorp
Classification: Uncertain significance for Chédiak-Higashi syndrome. Last evaluated: 2021-09-01. Review status: criteria provided, single submitter. Criteria: Invitae Variant Classification Sherloc (09022015). Collection method: clinical testing. Allele origin: germline.
Comment: This sequence change replaces glycine with glutamic acid at codon 1238 of the LYST protein (p.Gly1238Glu). The glycine residue is moderately conserved and there is a moderate physicochemical difference between glycine and glutamic acid. This variant is present in population databases (rs767077644, ExAC 0.002%). This variant has not been reported in the literature in individuals affected with LYST-related conditions. Algorithms developed to predict the effect of missense changes on protein structure and function output the following: SIFT: "Tolerated"; PolyPhen-2: "Benign"; Align-GVGD: "Class C0". The glutamic acid amino acid residue is found in multiple mammalian species, which suggests that this missense change does not adversely affect protein function. In summary, the available evidence is currently insufficient to determine the role of this variant in disease. Therefore, it has been classified as a Variant of Uncertain Significance.